The following is an entry in ClinVar:

NM_000426.4(LAMA2):c.1553G>A (p.Cys518Tyr)

Gene: LAMA2 (laminin subunit alpha 2; plus strand). Cytogenetic location: 6q22.33.
Variant type: single nucleotide variant.
Coding change: c.1553G>A on transcript NM_000426.4 (MANE Select); coding-DNA position 1553, G replaced by A.
Protein change: p.Cys518Tyr; replaces cysteine 518 with tyrosine.
Molecular consequence: missense variant.
Genome position (GRCh38, 1-based): chr6:129,190,290, G>A. VCF-style: chr6-129190290-G-A. GRCh37 (hg19) VCF-style: chr6-129511435-G-A.
Other names: c.1553G>A, p.Cys518Tyr (NM_001079823.2); short protein forms C518Y.
Identifiers: ClinVar variation 4747542 (VCV004747542.2).

ClinVar aggregate classification (germline): Conflicting classifications of pathogenicity. Review status: criteria provided, conflicting classifications (1 of 4 stars). 2 submissions from 2 submitters: Likely pathogenic (1); Uncertain significance (1). Last evaluated 2026-03-26.

Conditions:
LAMA2-related muscular dystrophy (LAMA2-RD). Also called: Laminin alpha 2-related dystrophy. Identifiers: MedGen C5679788, MONDO:0100228.

Submissions (2):

GeneDx
Classification: Likely pathogenic. Last evaluated: 2026-03-26. Review status: criteria provided, single submitter. Criteria: GeneDx Variant Classification Process June 2021. Collection method: clinical testing. Allele origin: germline.
Comment: Not observed at significant frequency in large population cohorts (gnomAD); In silico analysis supports that this missense variant has a deleterious effect on protein structure/function; This variant is associated with the following publications: (PMID: 31066047, 24611677, 30055037, 34281576)

Labcorp Genetics (formerly Invitae), Labcorp
Classification: Uncertain significance for LAMA2-related muscular dystrophy. Last evaluated: 2025-07-13. Review status: criteria provided, single submitter. Criteria: Invitae Variant Classification Sherloc (09022015). Collection method: clinical testing. Allele origin: germline.
Comment: This sequence change replaces cysteine, which is neutral and slightly polar, with tyrosine, which is neutral and polar, at codon 518 of the LAMA2 protein (p.Cys518Tyr). This variant is not present in population databases (gnomAD no frequency). This missense change has been observed in individual(s) with clinical features of congenital muscular dystrophy (PMID: 24611677). In at least one individual the data is consistent with being in trans (on the opposite chromosome) from a pathogenic variant. Invitae Evidence Modeling of protein sequence and biophysical properties (such as structural, functional, and spatial information, amino acid conservation, physicochemical variation, residue mobility, and thermodynamic stability) indicates that this missense variant is not expected to disrupt LAMA2 protein function with a negative predictive value of 95%. In summary, the available evidence is currently insufficient to determine the role of this variant in disease. Therefore, it has been classified as a Variant of Uncertain Significance.

Literature cited by the submitters: PubMed 24611677 (cited by Labcorp Genetics (formerly Invitae), Labcorp).